The following is an entry in ClinVar:

NM_019032.6(ADAMTSL4):c.2383-1G>A

Gene: ADAMTSL4 (ADAMTS like 4; plus strand). Cytogenetic location: 1q21.2.
Variant type: single nucleotide variant.
Coding change: c.2383-1G>A on transcript NM_019032.6 (MANE Select); the canonical splice acceptor site of the intron before coding-DNA position 2383, G replaced by A.
Molecular consequence: splice acceptor variant.
Genome position (GRCh38, 1-based): chr1:150,558,472, G>A. VCF-style: chr1-150558472-G-A. GRCh37 (hg19) VCF-style: chr1-150530948-G-A.
Other names: c.2452-1G>A (NM_001288608.2); c.2266-1G>A (NM_001288607.2); c.2383-1G>A (NM_001378596.1, NM_025008.5).
Identifiers: ClinVar variation 2997554 (VCV002997554.3), dbSNP rs185480031, ClinGen allele CA1078654.

ClinVar aggregate classification (germline): Likely pathogenic (1 of 4 stars; one submission).

Allele frequency attached by ClinVar (database versions not stated): gnomAD 0.00001; 1000 Genomes Project 30x 0.00031.
gnomAD v4.1: 3 of 1,613,494 alleles (0.00019%); highest among the groups gnomAD compares: African/African-American, 0.004%; no homozygotes.

Submission:

Labcorp Genetics (formerly Invitae), Labcorp
Classification: Likely pathogenic. Last evaluated: 2024-01-23. Review status: criteria provided, single submitter. Criteria: Invitae Variant Classification Sherloc (09022015). Collection method: clinical testing. Allele origin: germline.
Comment: This sequence change affects an acceptor splice site in intron 14 of the ADAMTSL4 gene. It is expected to disrupt RNA splicing. Variants that disrupt the donor or acceptor splice site typically lead to a loss of protein function (PMID: 16199547), and loss-of-function variants in ADAMTSL4 are known to be pathogenic (PMID: 20564469, 28642162). This variant is present in population databases (rs185480031, gnomAD 0.007%). This variant has not been reported in the literature in individuals affected with ADAMTSL4-related conditions. Algorithms developed to predict the effect of sequence changes on RNA splicing suggest that this variant may disrupt the consensus splice site. In summary, the currently available evidence indicates that the variant is pathogenic, but additional data are needed to prove that conclusively. Therefore, this variant has been classified as Likely Pathogenic.

Literature cited by the submitters: PubMed 16199547; PubMed 20564469; PubMed 28642162.